The following is an entry in ClinVar:

ClinVar aggregate classification (germline): Uncertain significance (1 of 4 stars; one submission).

Conditions:
Charcot-Marie-Tooth disease, demyelinating, type 1J. Also called: CHARCOT-MARIE-TOOTH NEUROPATHY, DEMYELINATING, TYPE 1J. Identifiers: MedGen C5774249, MONDO:0859311, OMIM 620111.

gnomAD v4.1: 6 of 1,614,194 alleles (0.00037%); highest among the groups gnomAD compares: Non-Finnish European, 0.00051%; no homozygotes.

Submission:

Victorian Clinical Genetics Services, Murdoch Childrens Research Institute
Classification: Uncertain significance for Charcot-Marie-Tooth disease, demyelinating, type 1J. Last evaluated: 2026-03-10. Review status: criteria provided, single submitter. Criteria: ACMG Guidelines, 2015. Collection method: clinical testing. Allele origin: germline. Affected: yes.
Comment: This variant is classified as VUS-3B. Evidence in support of pathogenic classification: Variant is present in gnomAD <0.001 for a dominant condition (v4: 6 heterozygote(s), 0 homozygote(s)). Additional information: Variant is predicted to result in a missense amino acid change from Ile to Met; This variant is heterozygous; This gene is associated with autosomal dominant disease; This variant has no previous evidence of pathogenicity; No published evidence of segregation with disease has been identified for this variant; No published functional evidence has been identified for this variant; No comparable missense variants have previous evidence for pathogenicity; Variant is not located in an established domain, motif, hotspot or informative constraint region; Missense variant with inconclusive in silico prediction and/or uninformative conservation; Dominant negative is a suggested mechanism of disease in this gene and is associated with Charcot-Marie-Tooth disease, demyelinating, type 1J (MIM#620111) and immunodeficiency 133 with ectodermal dysplasia with or without peripheral neuropathy (MIM#621254) (PMIDs: 39560673, 32949214); Variants in this gene are known to have variable expressivity (OMIM); Inheritance information for this variant is not currently available in this individual.

Literature cited by the submitters: PubMed 39560673; PubMed 32949214.

NM_002224.4(ITPR3):c.1317C>G (p.Ile439Met)

Gene: ITPR3 (inositol 1,4,5-trisphosphate receptor type 3; plus strand). Cytogenetic location: 6p21.31.
Variant type: single nucleotide variant.
Coding change: c.1317C>G on transcript NM_002224.4 (MANE Select); coding-DNA position 1317, C replaced by G.
Protein change: p.Ile439Met; replaces isoleucine 439 with methionine.
Molecular consequence: missense variant.
Genome position (GRCh38, 1-based): chr6:33,665,121, C>G. VCF-style: chr6-33665121-C-G. GRCh37 (hg19) VCF-style: chr6-33632898-C-G.
Other names: short protein forms I439M.
Identifiers: ClinVar variation 4845339 (VCV004845339.2).
Genomic context (GRCh38, chr6:33,665,121, plus strand): 5'-CTGCCCCACCAAGGAGGACAAGGAGGCCTTTGCCATCGTGTCAGTGCCCGTGTCTGAGAT[C>G]CGAGACCTGGACTTTGCCAATGACGCCAGCTCCATGCTGGCCAGTGCCGTGGAGAAACTC-3'
Protein context (NP_002215.2, residues 429-449): FAIVSVPVSE[Ile439Met]RDLDFANDAS